The following is an entry in ClinVar:

NM_001005373.4(LRSAM1):c.274C>A (p.Gln92Lys)

Gene: LRSAM1 (leucine rich repeat and sterile alpha motif containing 1; plus strand). Cytogenetic location: 9q33.3.
Variant type: single nucleotide variant.
Coding change: c.274C>A on transcript NM_001005373.4 (MANE Select); coding-DNA position 274, C replaced by A.
Protein change: p.Gln92Lys; replaces glutamine 92 with lysine.
Molecular consequence: missense variant. On other transcripts: 5 prime UTR variant (1), non-coding transcript variant (2).
Genome position (GRCh38, 1-based): chr9:127,459,024, C>A. VCF-style: chr9-127459024-C-A. GRCh37 (hg19) VCF-style: chr9-130221303-C-A.
Other names: c.274C>A, p.Gln92Lys (NM_001005374.4, NM_001190723.3, NM_001384142.1 and 2 more transcripts); c.-511C>A (NM_001384144.1); short protein forms Q92K.
Identifiers: ClinVar variation 946728 (VCV000946728.9), dbSNP rs1231990557, ClinGen allele CA374966022.

ClinVar aggregate classification (germline): Uncertain significance (1 of 4 stars; one submission).

Conditions:
Charcot-Marie-Tooth disease axonal type 2P. Also called: CHARCOT-MARIE-TOOTH NEUROPATHY, TYPE 2P; CHARCOT-MARIE-TOOTH DISEASE, AXONAL, TYPE 2G; CMT 2G; Charcot-Marie-Tooth Neuropathy Type 2G. Identifiers: Orphanet 300319, Orphanet 99941, MedGen C3280797, MONDO:0013753, OMIM 614436.

Allele frequency attached by ClinVar (database versions not stated): TOPMed below 0.00001; gnomAD 0.00001; gnomAD exomes 0.00001.
gnomAD v4.1: 7 of 1,613,740 alleles (0.00043%); highest among the groups gnomAD compares: Non-Finnish European, 0.00059%; no homozygotes.

Submission:

Labcorp Genetics (formerly Invitae), Labcorp
Classification: Uncertain significance for Charcot-Marie-Tooth disease axonal type 2P. Last evaluated: 2025-03-25. Review status: criteria provided, single submitter. Criteria: Invitae Variant Classification Sherloc (09022015). Collection method: clinical testing. Allele origin: germline.
Comment: This sequence change replaces glutamine, which is neutral and polar, with lysine, which is basic and polar, at codon 92 of the LRSAM1 protein (p.Gln92Lys). This variant is not present in population databases (gnomAD no frequency). This variant has not been reported in the literature in individuals affected with LRSAM1-related conditions. ClinVar contains an entry for this variant (Variation ID: 946728). Invitae Evidence Modeling of protein sequence and biophysical properties (such as structural, functional, and spatial information, amino acid conservation, physicochemical variation, residue mobility, and thermodynamic stability) indicates that this missense variant is not expected to disrupt LRSAM1 protein function with a negative predictive value of 80%. In summary, the available evidence is currently insufficient to determine the role of this variant in disease. Therefore, it has been classified as a Variant of Uncertain Significance.